The following is an entry in ClinVar:

NM_006231.4(POLE):c.6033G>A (p.Met2011Ile)

Gene: POLE (DNA polymerase epsilon, catalytic subunit; minus strand). Cytogenetic location: 12q24.33.
Variant type: single nucleotide variant.
Coding change: c.6033G>A on transcript NM_006231.4 (MANE Select); coding-DNA position 6033, G replaced by A.
Protein change: p.Met2011Ile; replaces methionine 2011 with isoleucine.
Molecular consequence: missense variant.
Genome position (GRCh38, 1-based): chr12:132,632,767, C>T on the plus strand (G>A on the coding strand, the complement: POLE is on the minus strand). VCF-style: chr12-132632767-C-T. GRCh37 (hg19) VCF-style: chr12-133209353-C-T.
Other names: c.6033G>A (NM_006231.2); short protein forms M2011I.
Identifiers: ClinVar variation 540812 (VCV000540812.12), dbSNP rs754773239, ClinGen allele CA6892304.

ClinVar aggregate classification (germline): Uncertain significance. Review status: criteria provided, multiple submitters, no conflicts (2 of 4 stars). 2 submissions from 2 submitters: Uncertain significance (2). Last evaluated 2025-01-06.

Conditions:
Hereditary cancer-predisposing syndrome. Also called: Neoplastic Syndromes, Hereditary; Hereditary Cancer Syndrome; Hereditary neoplastic syndrome; Tumor predisposition. Identifiers: Orphanet 140162, MedGen C0027672, MeSH D009386, MONDO:0015356.

Allele frequency attached by ClinVar (database versions not stated): gnomAD exomes below 0.00001; ExAC 0.00001.
gnomAD v4.1: 2 of 1,611,616 alleles (0.00012%); highest among the groups gnomAD compares: Non-Finnish European, 0.00017%; no homozygotes.

Submissions (2):

Labcorp Genetics (formerly Invitae), Labcorp
Classification: Uncertain significance. Last evaluated: 2025-01-06. Review status: criteria provided, single submitter. Criteria: Invitae Variant Classification Sherloc (09022015). Collection method: clinical testing. Allele origin: germline.
Comment: This sequence change replaces methionine, which is neutral and non-polar, with isoleucine, which is neutral and non-polar, at codon 2011 of the POLE protein (p.Met2011Ile). This variant is present in population databases (rs754773239, gnomAD 0.0009%). This variant has not been reported in the literature in individuals affected with POLE-related conditions. ClinVar contains an entry for this variant (Variation ID: 540812). Invitae Evidence Modeling of protein sequence and biophysical properties (such as structural, functional, and spatial information, amino acid conservation, physicochemical variation, residue mobility, and thermodynamic stability) indicates that this missense variant is not expected to disrupt POLE protein function with a negative predictive value of 80%. In summary, the available evidence is currently insufficient to determine the role of this variant in disease. Therefore, it has been classified as a Variant of Uncertain Significance.

Ambry Genetics
Classification: Uncertain significance for Hereditary cancer-predisposing syndrome. Last evaluated: 2024-12-12. Review status: criteria provided, single submitter. Criteria: Ambry Variant Classification Scheme 2023. Collection method: clinical testing. Allele origin: germline.
Comment: The p.M2011I variant (also known as c.6033G>A), located in coding exon 44 of the POLE gene, results from a G to A substitution at nucleotide position 6033. The methionine at codon 2011 is replaced by isoleucine, an amino acid with highly similar properties. This amino acid position is well conserved in available vertebrate species. In addition, this alteration is predicted to be tolerated by in silico analysis. Based on the available evidence, the clinical significance of this variant remains unclear.